The following is an entry in ClinVar:

NM_001429.4(EP300):c.5622G>T (p.Gln1874His)

Gene: EP300 (EP300 lysine acetyltransferase; plus strand). Cytogenetic location: 22q13.2.
Variant type: single nucleotide variant.
Coding change: c.5622G>T on transcript NM_001429.4 (MANE Select); coding-DNA position 5622, G replaced by T.
Protein change: p.Gln1874His; replaces glutamine 1874 with histidine.
Molecular consequence: missense variant.
Genome position (GRCh38, 1-based): chr22:41,177,333, G>T. VCF-style: chr22-41177333-G-T. GRCh37 (hg19) VCF-style: chr22-41573337-G-T.
Other names: c.5544G>T, p.Gln1848His (NM_001362843.2); short protein forms Q1874H, Q1848H.
Identifiers: ClinVar variation 4996780 (VCV004996780.1).

ClinVar aggregate classification (germline): Uncertain significance (1 of 4 stars; one submission).

Conditions:
EP300-related disorder. Also called: EP300-related condition; EP300-related disorders.

gnomAD v4.1: 3 of 1,613,878 alleles (0.00019%); highest among the groups gnomAD compares: African/African-American, 0.0013%; no homozygotes.

Submission:

PreventionGenetics, part of Exact Sciences
Classification: Uncertain significance for EP300-related condition. Last evaluated: 2024-11-02. Review status: criteria provided, single submitter. Criteria: ACMG Guidelines, 2015. Collection method: clinical testing. Allele origin: germline.
Comment: The EP300 c.5622G>T variant is predicted to result in the amino acid substitution p.Gln1874His. To our knowledge, this variant has not been reported in the literature or in a large population database (gnomAD), indicating this variant is rare. At this time, the clinical significance of this variant is uncertain due to the absence of conclusive functional and genetic evidence.